The following is an entry in ClinVar:

NM_022039.4(FBXW4):c.1187T>C (p.Ile396Thr)

Gene: FBXW4 (F-box and WD repeat domain containing 4; minus strand). Cytogenetic location: 10q24.32.
Variant type: single nucleotide variant.
Coding change: c.1187T>C on transcript NM_022039.4 (MANE Select); coding-DNA position 1187, T replaced by C.
Protein change: p.Ile396Thr; replaces isoleucine 396 with threonine.
Molecular consequence: missense variant.
Genome position (GRCh38, 1-based): chr10:101,667,934, A>G on the plus strand (T>C on the coding strand, the complement: FBXW4 is on the minus strand). VCF-style: chr10-101667934-A-G. GRCh37 (hg19) VCF-style: chr10-103427691-A-G.
Other names: c.461T>C, p.Ile154Thr (NM_001323541.2); short protein forms I396T, I154T.
Identifiers: ClinVar variation 4762229 (VCV004762229.1).

ClinVar aggregate classification (germline): Uncertain significance (1 of 4 stars; one submission).

gnomAD v4.1: 1 of 1,614,158 alleles (0.000062%); highest among the groups gnomAD compares: Non-Finnish European, 0.000085%; no homozygotes.

Submission:

Labcorp Genetics (formerly Invitae), Labcorp
Classification: Uncertain significance. Last evaluated: 2025-11-27. Review status: criteria provided, single submitter. Criteria: Invitae Variant Classification Sherloc (09022015). Collection method: clinical testing. Allele origin: germline.
Comment: This sequence change replaces isoleucine, which is neutral and non-polar, with threonine, which is neutral and polar, at codon 241 of the FBXW4 protein (p.Ile241Thr). This variant is not present in population databases (gnomAD no frequency). This variant has not been reported in the literature in individuals affected with FBXW4-related conditions. An algorithm developed to predict the effect of missense changes on protein structure and function (PolyPhen-2) suggests that this variant is likely to be tolerated. In summary, the available evidence is currently insufficient to determine the role of this variant in disease. Therefore, it has been classified as a Variant of Uncertain Significance.